The following is an entry in ClinVar:

ClinVar aggregate classification (germline): Uncertain significance (1 of 4 stars; one submission).

Conditions:
Hereditary cancer-predisposing syndrome. Also called: Hereditary neoplastic syndrome; Tumor predisposition; Neoplastic Syndromes, Hereditary; Hereditary Cancer Syndrome. Identifiers: Orphanet 140162, MedGen C0027672, MeSH D009386, MONDO:0015356.

Submission:

Sema4
Classification: Uncertain significance for Hereditary cancer-predisposing syndrome. Last evaluated: 2021-11-22. Review status: criteria provided, single submitter. Criteria: Sema4 Curation Guidelines. Collection method: curation. Allele origin: germline.
Comment: The CEBPA c.350G>C (p.G117A) variant has not been reported in the literature to our knowledge. It was not observed in the large and broad cohorts of the Genome Aggregation Database, and has not been reported in ClinVar. In silico tools suggest the impact of the variant on protein function is benign, though these predictions have not been confirmed by functional studies. The evidence is insufficient to meet ACMG/AMP criteria for classifying the variant as benign or pathogenic. Thus, the clinical significance of this variant is currently uncertain.

NM_004364.5(CEBPA):c.350G>C (p.Gly117Ala)

Gene: CEBPA (CCAAT enhancer binding protein alpha; minus strand). Cytogenetic location: 19q13.11.
Variant type: single nucleotide variant.
Coding change: c.350G>C on transcript NM_004364.5 (MANE Select); coding-DNA position 350, G replaced by C.
Protein change: p.Gly117Ala; replaces glycine 117 with alanine.
Molecular consequence: missense variant. On other transcripts: 5 prime UTR variant (1).
Genome position (GRCh38, 1-based): chr19:33,302,065, C>G on the plus strand (G>C on the coding strand, the complement: CEBPA is on the minus strand). VCF-style: chr19-33302065-C-G. GRCh37 (hg19) VCF-style: chr19-33792971-C-G.
Other names: c.-8G>C (NM_001285829.2); c.455G>C, p.Gly152Ala (NM_001287424.2); c.308G>C, p.Gly103Ala (NM_001287435.2); short protein forms G103A, G117A, G152A.
Identifiers: ClinVar variation 1692809 (VCV001692809.1), dbSNP rs2145262770, ClinGen allele CA405275133.